The following is an entry in ClinVar:

NM_002025.4(AFF2):c.449A>G (p.His150Arg)

Gene: AFF2 (ALF transcription elongation factor 2; plus strand). Cytogenetic location: Xq28.
Variant type: single nucleotide variant.
Coding change: c.449A>G on transcript NM_002025.4 (MANE Select); coding-DNA position 449, A replaced by G.
Protein change: p.His150Arg; replaces histidine 150 with arginine.
Molecular consequence: missense variant.
Genome position (GRCh38, 1-based): chrX:148,662,176, A>G. VCF-style: chrX-148662176-A-G. GRCh37 (hg19) VCF-style: chrX-147743697-A-G.
Other names: c.437A>G, p.His146Arg (NM_001169122.2, NM_001169123.2, NM_001169125.2); c.449A>G, p.His150Arg (NM_001169124.2); short protein forms H146R, H150R.
Identifiers: ClinVar variation 1704055 (VCV001704055.2), dbSNP rs2521396139, ClinGen allele CA414509127.

ClinVar aggregate classification (germline): Uncertain significance (1 of 4 stars; one submission).

Submission:

GeneDx
Classification: Uncertain significance. Last evaluated: 2023-02-22. Review status: criteria provided, single submitter. Criteria: GeneDx Variant Classification Process June 2021. Collection method: clinical testing. Allele origin: germline. Affected: yes.
Comment: In silico analysis supports that this missense variant has a deleterious effect on protein structure/function; Not observed at significant frequency in large population cohorts (gnomAD); Has not been previously published as pathogenic or benign to our knowledge